The following is an entry in ClinVar:

ClinVar aggregate classification (germline): Likely benign (1 of 4 stars; one submission).

Submission:

GeneDx
Classification: Likely benign. Last evaluated: 2019-09-06. Review status: criteria provided, single submitter. Criteria: GeneDx Variant Classification Process June 2021. Collection method: clinical testing. Allele origin: germline. Affected: yes.
Comment: See Variant Classification Assertion Criteria.

NM_000540.3(RYR1):c.7835+62_7836-50del

Gene: RYR1 (ryanodine receptor 1; plus strand). Cytogenetic location: 19q13.2.
Variant type: Deletion.
Coding change: c.7835+62_7836-50del on transcript NM_000540.3 (MANE Select); 62 bases into the intron after coding-DNA position 7835 through 50 bases into the intron before coding-DNA position 7836, 42 bases deleted.
Molecular consequence: intron variant.
Genome position (GRCh38, 1-based): chr19:38,502,789-38,502,830, 42 bases deleted; deleting any 42 consecutive bases within chr19:38,502,773-38,502,830 gives the same sequence; the c. name uses the placement nearest the transcript's 3' end. GRCh37 (hg19): chr19:38,993,429-38,993,470.
Other names: c.7835+62_7836-50del (NM_001042723.2).
Identifiers: ClinVar variation 1691574 (VCV001691574.3), dbSNP rs759994347, ClinGen allele CA9415883.